The following is an entry in ClinVar:

ClinVar aggregate classification (germline): Uncertain significance (1 of 4 stars; one submission).

Conditions:
Retinitis pigmentosa 71 (RP71). Identifiers: Orphanet 791, MedGen C4225342, MONDO:0014618, OMIM 616394.
Short-rib thoracic dysplasia 10 with or without polydactyly (SRTD10). Identifiers: Orphanet 474, MedGen C3810175, MONDO:0014284, OMIM 615630.

Submission:

Labcorp Genetics (formerly Invitae), Labcorp
Classification: Uncertain significance for Retinitis pigmentosa 71; Short-rib thoracic dysplasia 10 with or without polydactyly. Last evaluated: 2021-11-14. Review status: criteria provided, single submitter. Criteria: Invitae Variant Classification Sherloc (09022015). Collection method: clinical testing. Allele origin: germline.
Comment: This variant has not been reported in the literature in individuals affected with IFT172-related conditions. In summary, the available evidence is currently insufficient to determine the role of this variant in disease. Therefore, it has been classified as a Variant of Uncertain Significance. Variants that disrupt the consensus splice site are a relatively common cause of aberrant splicing (PMID: 17576681, 9536098). Algorithms developed to predict the effect of sequence changes on RNA splicing suggest that this variant may disrupt the consensus splice site. This variant is not present in population databases (gnomAD no frequency). This sequence change falls in intron 36 of the IFT172 gene. It does not directly change the encoded amino acid sequence of the IFT172 protein. It affects a nucleotide within the consensus splice site.

Literature cited by the submitters: PubMed 17576681; PubMed 9536098.

NM_015662.3(IFT172):c.4050+2dup

Gene: IFT172 (intraflagellar transport 172; minus strand). Cytogenetic location: 2p23.3.
Variant type: Duplication.
Coding change: c.4050+2dup on transcript NM_015662.3 (MANE Select); the canonical splice donor site of the intron after coding-DNA position 4050, one base duplicated (T; older notation c.4050+2dupT).
Molecular consequence: splice donor variant.
Genome position (GRCh38, 1-based): chr2:27,449,996, A duplicated on the plus strand (T on the coding strand, the reverse complement: IFT172 is on the minus strand). VCF-style (leftmost placement, unchanged base first): chr2-27449995-T-TA. GRCh37 (hg19) VCF-style: chr2-27672862-T-TA.
Identifiers: ClinVar variation 1477262 (VCV001477262.6), dbSNP rs2148478879, ClinGen allele CA2573134515.
Genomic context (GRCh38, chr2:27,449,995, plus strand): 5'-GATGTCACCCTTGCACCCATCTCTGTGAAATCTATTTCTGTTCCATCTCAGCATCCTACT[T>TA]ACTGCACTGTGCTTTCCAATTCCAATCAGCTGGGGTCCTACAGCCAGAACGACTTCCATA-3'